The following is an entry in ClinVar:

ClinVar aggregate classification (germline): Uncertain significance (1 of 4 stars; one submission).

gnomAD v4.1: 8 of 1,614,004 alleles (0.0005%); highest among the groups gnomAD compares: African/African-American, 0.0067%; no homozygotes.

Submission:

Labcorp Genetics (formerly Invitae), Labcorp
Classification: Uncertain significance. Last evaluated: 2025-10-13. Review status: criteria provided, single submitter. Criteria: Invitae Variant Classification Sherloc (09022015). Collection method: clinical testing. Allele origin: germline.
Comment: This sequence change disrupts the translational stop signal of the CETP mRNA. It is expected to extend the length of the CETP protein by 11 additional amino acid residues. This variant is present in population databases (rs762246602, gnomAD 0.02%). This variant has not been reported in the literature in individuals affected with CETP-related conditions. ClinVar contains an entry for this variant (Variation ID: 3715608). In summary, the available evidence is currently insufficient to determine the role of this variant in disease. Therefore, it has been classified as a Variant of Uncertain Significance.

NM_000078.3(CETP):c.1482G>T (p.Ter494Tyr)

Gene: CETP (cholesteryl ester transfer protein; plus strand). Cytogenetic location: 16q13.
Variant type: single nucleotide variant.
Coding change: c.1482G>T on transcript NM_000078.3 (MANE Select); coding-DNA position 1482, G replaced by T.
Protein change: p.Ter494Tyr.
Molecular consequence: stop lost.
Genome position (GRCh38, 1-based): chr16:56,983,666, G>T. VCF-style: chr16-56983666-G-T. GRCh37 (hg19) VCF-style: chr16-57017578-G-T.
Other names: c.1302G>T, p.Ter434Tyr (NM_001286085.2).
Identifiers: ClinVar variation 3715608 (VCV003715608.2).